The following is an entry in ClinVar:

ClinVar aggregate classification (germline): Pathogenic/Likely pathogenic. Review status: criteria provided, multiple submitters, no conflicts (2 of 4 stars). 2 submissions from 2 submitters: Pathogenic (1); Likely pathogenic (1). Last evaluated 2025-10-22.

Conditions:
Hereditary cancer-predisposing syndrome. Also called: Neoplastic Syndromes, Hereditary; Hereditary Cancer Syndrome; Hereditary neoplastic syndrome; Tumor predisposition. Identifiers: Orphanet 140162, MedGen C0027672, MeSH D009386, MONDO:0015356.
Breast-ovarian cancer, familial, susceptibility to, 1 (BROVCA1). Also called: BRCA1 Hereditary Breast and Ovarian Cancer; OVARIAN CANCER, SUSCEPTIBILITY TO. Identifiers: Orphanet 145, MedGen C2676676, MONDO:0011450, OMIM 604370. Disease mechanism: loss of function.

Submissions (2):

Ambry Genetics
Classification: Pathogenic for Hereditary cancer-predisposing syndrome. Last evaluated: 2025-10-22. Review status: criteria provided, single submitter. Criteria: Ambry Variant Classification Scheme 2023. Collection method: clinical testing. Allele origin: germline.
Comment: The c.3859delG pathogenic mutation, located in coding exon 9 of the BRCA1 gene, results from a deletion of one nucleotide at nucleotide position 3859, causing a translational frameshift with a predicted alternate stop codon (p.E1287Rfs*20). This variant is considered to be rare based on population cohorts in the Genome Aggregation Database (gnomAD). This alteration is expected to result in loss of function by premature protein truncation or nonsense-mediated mRNA decay. As such, this alteration is interpreted as a disease-causing mutation.

Juno Genomics, Hangzhou Juno Genomics, Inc
Classification: Likely pathogenic for Breast-ovarian cancer, familial, susceptibility to, 1. Review status: criteria provided, single submitter. Criteria: ACMG Guidelines, 2015. Collection method: clinical testing. Allele origin: germline.
Comment: Null variant in a gene where loss of function (LOF) is a known mechanism of disease.;Absent from controls (or at extremely low frequency if recessive) in Genome Aggregation Database.

NM_007294.4(BRCA1):c.3859del (p.Glu1287fs)

Genes: BRCA1 (BRCA1 DNA repair associated; minus strand), LOC126862571 (BRD4-independent group 4 enhancer GRCh37_chr17:41243136-41244335; plus strand). Cytogenetic location: 17q21.31.
Variant type: Deletion.
Coding change: c.3859del on transcript NM_007294.4 (MANE Select); coding-DNA position 3859, one base deleted (G; older notation c.3859delG).
Protein change: p.Glu1287fs; shifts the reading frame from glutamic acid 1287.
Molecular consequence: frameshift variant. On other transcripts: intron variant (135).
Genome position (GRCh38, 1-based): chr17:43,091,672, C deleted on the plus strand (G on the coding strand, the reverse complement: BRCA1 is on the minus strand). VCF-style (leftmost placement, unchanged base first): chr17-43091671-TC-T. GRCh37 (hg19) VCF-style: chr17-41243688-TC-T.
Other names: c.3646del, p.Glu1216fs (NM_001407571.1, NM_001407853.1, NM_001407894.1 and 9 more transcripts); c.3859del, p.Glu1287fs (NM_001407581.1, NM_001407582.1, NM_001407583.1 and 30 more transcripts); c.3856del, p.Glu1286fs (NM_001407587.1, NM_001407590.1, NM_001407591.1 and 22 more transcripts); c.3850del, p.Glu1284fs (NM_001407646.1, NM_001407647.1); c.3736del, p.Glu1246fs (NM_001407648.1, NM_001407664.1, NM_001407665.1 and 19 more transcripts); c.3733del, p.Glu1245fs (NM_001407649.1, NM_001407670.1, NM_001407671.1 and 11 more transcripts); c.3781del, p.Glu1261fs (NM_001407653.1, NM_001407654.1, NM_001407655.1 and 4 more transcripts); c.3778del, p.Glu1260fs (NM_001407659.1, NM_001407660.1, NM_001407661.1 and 1 more transcripts); and 41 more; short protein forms E1240fs, E1287fs, E1119fs, E1198fs, E1199fs, E1216fs, E1217fs, E1219fs.
Identifiers: ClinVar variation 3381928 (VCV003381928.4).
Genomic context (GRCh38, chr17:43,091,671, plus strand): 5'-GTCAAGTCTTCCAATTCACTGCACTGTGAAGAAAACAAGCTAGCAGAACATTTTGTTTCC[TC>T]ACTAAGGTGATGTTCCTGAGATGCCTTTGCCAATATTACCTGGTTACTGCAGTCATTTAA-3'